The following is an entry in ClinVar:

ClinVar aggregate classification (germline): Benign. Review status: criteria provided, multiple submitters, no conflicts (2 of 4 stars). 7 submissions from 7 submitters: Benign (7). Last evaluated 2026-02-02.

Conditions:
Neuropathy, hereditary sensory and autonomic, type 2A (HSAN2A). Also called: ACROOSTEOLYSIS, GIACCAI TYPE; ACROOSTEOLYSIS, NEUROGENIC; MORVAN DISEASE; NEUROPATHY, CONGENITAL SENSORY; NEUROPATHY, HEREDITARY SENSORY RADICULAR, AUTOSOMAL RECESSIVE; NEUROPATHY, HEREDITARY SENSORY, TYPE IIA. Identifiers: Orphanet 970, MedGen C2752089, MONDO:0024309, OMIM 201300.
Pseudohypoaldosteronism type 2C (PHA2C). Also called: Pseudohypoaldosteronism Type IIC. Identifiers: Orphanet 757, Orphanet 88940, MedGen C1840391, MONDO:0013778, OMIM 614492.

Allele frequency attached by ClinVar (database versions not stated): gnomAD exomes 0.00408 and 0.00161; ExAC 0.00470; 1000 Genomes Project 0.01378; gnomAD 0.01534 and 0.01671; 1000 Genomes Project 30x 0.01562; ESP Exome Variant Server 0.01700; TOPMed 0.01759.
gnomAD v4.1: 4,815 of 1,612,334 alleles (0.3%); highest among the groups gnomAD compares: African/African-American, 5.3%; 102 homozygotes.

Submissions (7):

Labcorp Genetics (formerly Invitae), Labcorp
Classification: Benign for Neuropathy, hereditary sensory and autonomic, type 2A; Pseudohypoaldosteronism type 2C. Last evaluated: 2026-02-02. Review status: criteria provided, single submitter. Criteria: Invitae Variant Classification Sherloc (09022015). Collection method: clinical testing. Allele origin: germline.

Mayo Clinic Laboratories, Mayo Clinic
Classification: Benign. Last evaluated: 2023-04-03. Review status: criteria provided, single submitter. Criteria: ACMG Guidelines, 2015. Collection method: clinical testing. Allele origin: germline. Observed: 24 variant alleles.

ARUP Laboratories, Molecular Genetics and Genomics, ARUP Laboratories
Classification: Benign. Last evaluated: 2020-08-10. Review status: criteria provided, single submitter. Criteria: ARUP Molecular Germline Variant Investigation Process. Collection method: clinical testing. Allele origin: germline.

Athena Diagnostics
Classification: Benign. Last evaluated: 2020-03-24. Review status: criteria provided, single submitter. Criteria: Athena Diagnostics Criteria. Collection method: clinical testing. Allele origin: unknown.

GeneDx
Classification: Benign. Last evaluated: 2018-07-15. Review status: criteria provided, single submitter. Criteria: GeneDx Variant Classification Process June 2021. Collection method: clinical testing. Allele origin: germline. Affected: yes.

Illumina Laboratory Services, Illumina
Classification: Benign for Pseudohypoaldosteronism type 2C. Last evaluated: 2018-01-13. Review status: criteria provided, single submitter. Criteria: ICSL Variant Classification Criteria 13 December 2019. Collection method: clinical testing. Allele origin: germline.
Comment: This variant was observed in the ICSL laboratory as part of a predisposition screen in an ostensibly healthy population. It had not been previously curated by ICSL or reported in the Human Gene Mutation Database (HGMD: prior to June 1st, 2018), and was therefore a candidate for classification through an automated scoring system. Utilizing variant allele frequency, disease prevalence and penetrance estimates, and inheritance mode, an automated score was calculated to assess if this variant is too frequent to cause the disease. Based on the score and internal cut-off values, a variant classified as benign is not then subjected to further curation. The score for this variant resulted in a classification of benign for this disease.

Breakthrough Genomics
Classification: Benign. Review status: criteria provided, single submitter. Criteria: ACMG Guidelines, 2015. Collection method: not provided. Allele origin: germline. Inheritance: Autosomal recessive inheritance. Affected: yes.

NM_018979.4(WNK1):c.1512A>G (p.Leu504=)

Gene: WNK1 (WNK lysine deficient protein kinase 1; plus strand). Cytogenetic location: 12p13.33.
Variant type: single nucleotide variant.
Coding change: c.1512A>G on transcript NM_018979.4 (MANE Select); coding-DNA position 1512, A replaced by G.
Protein change: p.Leu504=; no amino-acid change (leucine 504 retained).
Molecular consequence: synonymous variant.
Genome position (GRCh38, 1-based): chr12:859,356, A>G. VCF-style: chr12-859356-A-G. GRCh37 (hg19) VCF-style: chr12-968522-A-G.
Other names: p.Leu504=; c.1512A>G, p.Leu504= (NM_001184985.2, NM_014823.3, NM_213655.5).
Identifiers: ClinVar variation 310737 (VCV000310737.27), dbSNP rs56325964, ClinGen allele CA6381977.
Genomic context (GRCh38, chr12:859,356, plus strand): 5'-AGTACGGGTAGAATTAGCAGAAGAAGATGATGGAGAAAAAATAGCCATAAAATTATGGCT[A>G]CGTATTGAAGATATTAAGAAATTAAAGGGAAAATACAAAGATAATGAAGCTATTGAGTTT-3'
Protein context (NP_061852.3, residues 494-514): DGEKIAIKLW[Leu504=]RIEDIKKLKG